The following is an entry in ClinVar:

NM_021076.4(NEFH):c.2835del (p.Glu946fs)

Gene: NEFH (neurofilament heavy chain; plus strand). Cytogenetic location: 22q12.2.
Variant type: Deletion.
Coding change: c.2835del on transcript NM_021076.4 (MANE Select); coding-DNA position 2835, one base deleted (A; older notation c.2835delA).
Protein change: p.Glu946fs; shifts the reading frame from glutamic acid 946.
Molecular consequence: frameshift variant.
Genome position (GRCh38, 1-based): chr22:29,490,475, A deleted. VCF-style (leftmost placement, unchanged base first): chr22-29490474-CA-C. GRCh37 (hg19) VCF-style: chr22-29886463-CA-C.
Other names: short protein forms E946fs.
Identifiers: ClinVar variation 3661838 (VCV003661838.2).
Genomic context (GRCh38, chr22:29,490,474, plus strand): 5'-AGACAGAGGTAGCCAAGAAGGAACCAGATGATGCCAAGGCCAAGGAACCCAGCAAACCAG[CA>C]GAGAAGAAGGAGGCAGCACCGGAGAAAAAAGACACCAAGGAGGAGAAGGCCAAGAAGCCT-3'

ClinVar aggregate classification (germline): Uncertain significance (1 of 4 stars; one submission).

Submission:

Labcorp Genetics (formerly Invitae), Labcorp
Classification: Uncertain significance. Last evaluated: 2024-08-08. Review status: criteria provided, single submitter. Criteria: Invitae Variant Classification Sherloc (09022015). Collection method: clinical testing. Allele origin: germline.
Comment: This sequence change results in a frameshift in the NEFH gene (p.Glu946Argfs*110). While this is not anticipated to result in nonsense mediated decay, it is expected to disrupt the last 75 amino acid(s) of the NEFH protein and extend the protein by 34 additional amino acid residues. This variant is not present in population databases (gnomAD no frequency). This variant has not been reported in the literature in individuals affected with NEFH-related conditions. Experimental studies and prediction algorithms are not available or were not evaluated, and the functional significance of this variant is currently unknown. In summary, the available evidence is currently insufficient to determine the role of this variant in disease. Therefore, it has been classified as a Variant of Uncertain Significance.